The following is an entry in ClinVar:

ClinVar aggregate classification (germline): Likely pathogenic (1 of 4 stars; one submission).

gnomAD v4.1: 1 of 1,612,746 alleles (0.000062%); highest among the groups gnomAD compares: Non-Finnish European, 0.000085%; no homozygotes.

Submission:

GeneDx
Classification: Likely pathogenic. Last evaluated: 2026-04-24. Review status: criteria provided, single submitter. Criteria: GeneDx Variant Classification Process June 2021. Collection method: clinical testing. Allele origin: germline.
Comment: Canonical splice site variant predicted to result in an in-frame loss of the adjacent exon in a gene for which loss of function is a known mechanism of disease; Not observed at significant frequency in large population cohorts (gnomAD); Has not been previously published as pathogenic or benign to our knowledge

NM_024757.5(EHMT1):c.2019-2A>C

Gene: EHMT1 (euchromatic histone lysine methyltransferase 1; plus strand). Cytogenetic location: 9q34.3.
Variant type: single nucleotide variant.
Coding change: c.2019-2A>C on transcript NM_024757.5 (MANE Select); the canonical splice acceptor site of the intron before coding-DNA position 2019, A replaced by C.
Molecular consequence: splice acceptor variant.
Genome position (GRCh38, 1-based): chr9:137,777,880, A>C. VCF-style: chr9-137777880-A-C. GRCh37 (hg19) VCF-style: chr9-140672332-A-C.
Other names: c.1998-2A>C (NM_001354263.2); c.1926-2A>C (NM_001354259.2); c.2019-2A>C (NM_001145527.2).
Identifiers: ClinVar variation 5036913 (VCV005036913.1).